The following is an entry in ClinVar:

NM_000548.5(TSC2):c.4949A>C (p.Tyr1650Ser)

Gene: TSC2 (TSC complex subunit 2; plus strand). Cytogenetic location: 16p13.3.
Variant type: single nucleotide variant.
Coding change: c.4949A>C on transcript NM_000548.5 (MANE Select); coding-DNA position 4949, A replaced by C.
Protein change: p.Tyr1650Ser; replaces tyrosine 1650 with serine.
Molecular consequence: missense variant. On other transcripts: non-coding transcript variant (5).
Genome position (GRCh38, 1-based): chr16:2,086,831, A>C. VCF-style: chr16-2086831-A-C. GRCh37 (hg19) VCF-style: chr16-2136832-A-C.
Other names: c.4748A>C, p.Tyr1583Ser (NM_001077183.3); c.4880A>C, p.Tyr1627Ser (NM_001114382.3); c.4640A>C, p.Tyr1547Ser (NM_001318827.2); c.4604A>C, p.Tyr1535Ser (NM_001318829.2); c.4217A>C, p.Tyr1406Ser (NM_001318831.2); c.4781A>C, p.Tyr1594Ser (NM_001318832.2); c.4751A>C, p.Tyr1584Ser (NM_001363528.2); c.4817A>C, p.Tyr1606Ser (NM_001370404.1); and 26 more; short protein forms Y1627S, Y1649S, Y1135S, Y1159S, Y1534S, Y1547S, Y1626S, Y1049S.
Identifiers: ClinVar variation 2810797 (VCV002810797.3), dbSNP rs45501091, ClinGen allele CA394308817.
Genomic context (GRCh38, chr16:2,086,831, plus strand): 5'-TGGACAAGCACCGCTGCGACAAGAAGCGCCACCTGGGCAACGACTTTGTGTCCATTGTCT[A>C]CAATGACTCCGGTGAGGACTTCAAGCTTGGCACCATCAAGGTGAGTGAGGGGCCGTCAGT-3'
Protein context (NP_000539.2, residues 1640-1660): HLGNDFVSIV[Tyr1650Ser]NDSGEDFKLG

ClinVar aggregate classification (germline): Uncertain significance (1 of 4 stars; one submission).

Conditions:
Tuberous sclerosis 2 (TSC2). Identifiers: Orphanet 805, MedGen C1860707, MONDO:0013199, OMIM 613254.

Submission:

Labcorp Genetics (formerly Invitae), Labcorp
Classification: Uncertain significance for Tuberous sclerosis 2. Last evaluated: 2022-10-30. Review status: criteria provided, single submitter. Criteria: Invitae Variant Classification Sherloc (09022015). Collection method: clinical testing. Allele origin: germline.
Comment: In summary, the available evidence is currently insufficient to determine the role of this variant in disease. Therefore, it has been classified as a Variant of Uncertain Significance. Advanced modeling of protein sequence and biophysical properties (such as structural, functional, and spatial information, amino acid conservation, physicochemical variation, residue mobility, and thermodynamic stability) performed at Invitae indicates that this missense variant is expected to disrupt TSC2 protein function. This variant has not been reported in the literature in individuals affected with TSC2-related conditions. This variant is not present in population databases (gnomAD no frequency). This sequence change replaces tyrosine, which is neutral and polar, with serine, which is neutral and polar, at codon 1650 of the TSC2 protein (p.Tyr1650Ser).